The following is an entry in ClinVar:

ClinVar aggregate classification (germline): Benign. Review status: criteria provided, multiple submitters, no conflicts (2 of 4 stars). 6 submissions from 6 submitters: Benign (4). 2 of the submissions do not count toward it. Last evaluated 2026-02-01.

Conditions:
NEB-related disorder. Also called: NEB-related condition; NEB-Related Disorders.
Nemaline myopathy 2 (NEM2). Also called: Nemaline myopathy 2, autosomal recessive. Identifiers: MedGen C1850569, MONDO:0009725, OMIM 256030.

Allele frequency attached by ClinVar (database versions not stated): gnomAD 0.00010 and 0.00109; TOPMed 0.00031; gnomAD exomes 0.00205 and 0.00430; ExAC 0.00469; 1000 Genomes Project 30x 0.00437; 1000 Genomes Project 0.00459.
gnomAD v4.1: 3,143 of 1,613,582 alleles (0.19%); highest among the groups gnomAD compares: South Asian, 3.3%; 89 homozygotes.

Submissions (6):

Labcorp Genetics (formerly Invitae), Labcorp
Classification: Benign for Nemaline myopathy 2. Last evaluated: 2026-02-01. Review status: criteria provided, single submitter. Criteria: Invitae Variant Classification Sherloc (09022015). Collection method: clinical testing. Allele origin: germline.

Illumina Laboratory Services, Illumina
Classification: Benign for Nemaline myopathy 2. Last evaluated: 2018-01-13. Review status: criteria provided, single submitter. Criteria: ICSL Variant Classification Criteria 13 December 2019. Collection method: clinical testing. Allele origin: germline.
Comment: This variant was observed in the ICSL laboratory as part of a predisposition screen in an ostensibly healthy population. It had not been previously curated by ICSL or reported in the Human Gene Mutation Database (HGMD: prior to June 1st, 2018), and was therefore a candidate for classification through an automated scoring system. Utilizing variant allele frequency, disease prevalence and penetrance estimates, and inheritance mode, an automated score was calculated to assess if this variant is too frequent to cause the disease. Based on the score and internal cut-off values, a variant classified as benign is not then subjected to further curation. The score for this variant resulted in a classification of benign for this disease.

GeneDx
Classification: Benign. Last evaluated: 2017-09-07. Review status: criteria provided, single submitter. Criteria: GeneDx Variant Classification (06012015). Collection method: clinical testing. Allele origin: germline. Affected: yes.
Comment: This variant is considered likely benign or benign based on one or more of the following criteria: it is a conservative change, it occurs at a poorly conserved position in the protein, it is predicted to be benign by multiple in silico algorithms, and/or has population frequency not consistent with disease.

Eurofins Ntd Llc (ga)
Classification: Benign. Last evaluated: 2015-03-09. Review status: criteria provided, single submitter. Criteria: EGL Classification Definitions 2015. Collection method: clinical testing. Allele origin: germline. Observed: 1 variant allele, 1 heterozygote.

Natera, Inc.
Classification: Benign for Nemaline myopathy type 2. Last evaluated: 2020-09-16. Review status: no assertion criteria provided. Collection method: clinical testing. Allele origin: germline. Not counted in ClinVar's aggregate classification.

PreventionGenetics, part of Exact Sciences
Classification: Benign for NEB-related condition. Last evaluated: 2019-03-25. Review status: no assertion criteria provided. Collection method: clinical testing. Allele origin: germline. Not counted in ClinVar's aggregate classification.
Comment: This variant is classified as benign based on ACMG/AMP sequence variant interpretation guidelines (Richards et al. 2015 PMID: 25741868, with internal and published modifications).

NM_001164508.2(NEB):c.23055G>A (p.Gly7685=)

Genes: NEB (nebulin; minus strand), RIF1 (replication timing regulatory factor 1; plus strand). Cytogenetic location: 2q23.3.
Variant type: single nucleotide variant.
Coding change: c.23055G>A on transcript NM_001164508.2 (MANE Select); coding-DNA position 23055, G replaced by A.
Protein change: p.Gly7685=; no amino-acid change (glycine 7685 retained).
Molecular consequence: synonymous variant.
Genome position (GRCh38, 1-based): chr2:151,514,390, C>T on the plus strand (G>A on the coding strand, the complement: NEB is on the minus strand). VCF-style: chr2-151514390-C-T. GRCh37 (hg19) VCF-style: chr2-152370904-C-T.
Other names: c.23055G>A, p.Gly7685= (NM_001164507.2); c.23160G>A, p.Gly7720= (NM_001271208.2); c.17952G>A, p.Gly5984= (NM_004543.5).
Identifiers: ClinVar variation 194297 (VCV000194297.25), dbSNP rs563896790, ClinGen allele CA201103.